The following is an entry in ClinVar:

NM_001270.4(CHD1):c.1992G>T (p.Lys664Asn)

Gene: CHD1 (chromodomain helicase DNA binding protein 1; minus strand). Cytogenetic location: 5q15.
Variant type: single nucleotide variant.
Coding change: c.1992G>T on transcript NM_001270.4 (MANE Select); coding-DNA position 1992, G replaced by T.
Protein change: p.Lys664Asn; replaces lysine 664 with asparagine.
Molecular consequence: missense variant. On other transcripts: non-coding transcript variant (2).
Genome position (GRCh38, 1-based): chr5:98,892,713, C>A on the plus strand (G>T on the coding strand, the complement: CHD1 is on the minus strand). VCF-style: chr5-98892713-C-A. GRCh37 (hg19) VCF-style: chr5-98228417-C-A.
Other names: c.1992G>T, p.Lys664Asn (NM_001364113.3, NM_001376194.2); short protein forms K664N.
Identifiers: ClinVar variation 1708078 (VCV001708078.1), dbSNP rs758004117, ClinGen allele CA3356247.

ClinVar aggregate classification (germline): Likely benign (1 of 4 stars; one submission).

Conditions:
Pilarowski-Bjornsson syndrome. Also called: DEVELOPMENTAL DELAY AND SPEECH APRAXIA WITH OR WITHOUT SEIZURES. Identifiers: Orphanet 529965, MedGen C4540131, MONDO:0060568, OMIM 617682.

Allele frequency attached by ClinVar (database versions not stated): ExAC 0.00001.

Submission:

Laboratory of Medical Genetics, National & Kapodistrian University of Athens
Classification: Likely benign for Pilarowski-Bjornsson syndrome. Last evaluated: 2021-11-19. Review status: criteria provided, single submitter. Criteria: ACMG Guidelines, 2015. Collection method: clinical testing. Allele origin: maternal. Affected: yes.
Comment: BS2, PM2, PP3